The following is an entry in ClinVar:

NM_001193313.2(SUGCT):c.1014G>A (p.Trp338Ter)

Gene: SUGCT (succinyl-CoA:glutarate-CoA transferase; plus strand). Cytogenetic location: 7p14.1.
Variant type: single nucleotide variant.
Coding change: c.1014G>A on transcript NM_001193313.2 (MANE Select); coding-DNA position 1014, G replaced by A.
Protein change: p.Trp338Ter; replaces tryptophan 338 with a stop codon.
Molecular consequence: nonsense.
Genome position (GRCh38, 1-based): chr7:40,496,311, G>A. VCF-style: chr7-40496311-G-A. GRCh37 (hg19) VCF-style: chr7-40535910-G-A.
Other names: c.1014G>A, p.Trp338Ter (NM_001193311.2); c.870G>A, p.Trp290Ter (NM_001193312.2); c.903G>A, p.Trp301Ter (NM_024728.3); short protein forms W290*, W301*, W338*.
Identifiers: ClinVar variation 4845907 (VCV004845907.1).

ClinVar aggregate classification (germline): Likely pathogenic (1 of 4 stars; one submission).

Conditions:
Glutaryl-CoA oxidase deficiency. Also called: GLUTARIC ACIDURIA III; Glutaric acidemia type 3; GA III. Identifiers: Orphanet 35706, MedGen C0342873, MONDO:0009283, OMIM 231690.

gnomAD v4.1: 1 of 1,612,888 alleles (0.000062%); highest among the groups gnomAD compares: Non-Finnish European, 0.000085%; no homozygotes.

Submission:

First Genomix Gene Laboratory, Genetic Diagnostics Department
Classification: Likely pathogenic for Glutaryl-CoA oxidase deficiency. Last evaluated: 2025-05-21. Review status: criteria provided, single submitter. Criteria: ACMG Guidelines, 2015. Collection method: clinical testing. Allele origin: germline. Inheritance: Autosomal recessive inheritance. Affected: no. Observed: 1 variant allele.